The following is an entry in ClinVar:

NM_000481.4(AMT):c.887G>T (p.Arg296Leu)

Gene: AMT (aminomethyltransferase; minus strand). Cytogenetic location: 3p21.31.
Variant type: single nucleotide variant.
Coding change: c.887G>T on transcript NM_000481.4 (MANE Select); coding-DNA position 887, G replaced by T.
Protein change: p.Arg296Leu; replaces arginine 296 with leucine.
Molecular consequence: missense variant. On other transcripts: non-coding transcript variant (1).
Genome position (GRCh38, 1-based): chr3:49,417,964, C>A on the plus strand (G>T on the coding strand, the complement: AMT is on the minus strand). VCF-style: chr3-49417964-C-A. GRCh37 (hg19) VCF-style: chr3-49455397-C-A.
Other names: c.755G>T, p.Arg252Leu (NM_001164710.2); c.719G>T, p.Arg240Leu (NM_001164711.2); c.887G>T, p.Arg296Leu (NM_001164712.2); short protein forms R240L, R252L, R296L.
Identifiers: ClinVar variation 1468461 (VCV001468461.6), dbSNP rs386833690, ClinGen allele CA352789622.
Genomic context (GRCh38, chr3:49,417,964, plus strand): 5'-ACCCTGCCCTTCAGCTGGGGAACAATGACCTTGGCTCCAGGGAAGTCCATAGCAGCTCGG[C>A]GGCGCTTCCCTGGAGAATGACACATGAGACATAAGCCACAGCCCATAGAAGCCCTGGCCA-3'
Protein context (NP_000472.2, residues 286-306): GSLSWTLGKR[Arg296Leu]RAAMDFPGAK

ClinVar aggregate classification (germline): Likely pathogenic (1 of 4 stars; one submission).

Conditions:
Glycine encephalopathy. Also called: Non-ketotic hyperglycinemia; Nonketotic hyperglycinemia. Identifiers: Orphanet 407, MedGen C0751748, MONDO:0011612, HP:0008288.

Submission:

Labcorp Genetics (formerly Invitae), Labcorp
Classification: Likely pathogenic for Glycine encephalopathy. Last evaluated: 2021-09-29. Review status: criteria provided, single submitter. Criteria: Invitae Variant Classification Sherloc (09022015). Collection method: clinical testing. Allele origin: germline.
Comment: This sequence change replaces arginine with leucine at codon 296 of the AMT protein (p.Arg296Leu). The arginine residue is highly conserved and there is a moderate physicochemical difference between arginine and leucine. In summary, the currently available evidence indicates that the variant is pathogenic, but additional data are needed to prove that conclusively. Therefore, this variant has been classified as Likely Pathogenic. This variant disrupts the p.Arg296 amino acid residue in AMT. Other variant(s) that disrupt this residue have been determined to be pathogenic (PMID: 12948742, 16450403, 26179960, 27362913). This suggests that this residue is clinically significant, and that variants that disrupt this residue are likely to be disease-causing. Advanced modeling of protein sequence and biophysical properties (such as structural, functional, and spatial information, amino acid conservation, physicochemical variation, residue mobility, and thermodynamic stability) performed at Invitae indicates that this missense variant is expected to disrupt AMT protein function. This variant has not been reported in the literature in individuals affected with AMT-related conditions. This variant is not present in population databases (ExAC no frequency).

Literature cited by the submitters: PubMed 12948742; PubMed 16450403; PubMed 26179960; PubMed 27362913.